The following is an entry in ClinVar:

NM_014000.3(VCL):c.1975G>T (p.Glu659Ter)

Gene: VCL (vinculin; plus strand). Cytogenetic location: 10q22.2.
Variant type: single nucleotide variant.
Coding change: c.1975G>T on transcript NM_014000.3 (MANE Select); coding-DNA position 1975, G replaced by T.
Protein change: p.Glu659Ter; replaces glutamic acid 659 with a stop codon.
Molecular consequence: nonsense.
Genome position (GRCh38, 1-based): chr10:74,101,050, G>T. VCF-style: chr10-74101050-G-T. GRCh37 (hg19) VCF-style: chr10-75860808-G-T.
Other names: c.1975G>T, p.Glu659Ter (NM_003373.4); short protein forms E659*.
Identifiers: ClinVar variation 4991571 (VCV004991571.1).

ClinVar aggregate classification (germline): Uncertain significance (1 of 4 stars; one submission).

Conditions:
VCL-related disorder. Also called: VCL-related condition.

Submission:

PreventionGenetics, part of Exact Sciences
Classification: Uncertain significance for VCL-related condition. Last evaluated: 2026-08-03. Review status: criteria provided, single submitter. Criteria: ACMG Guidelines, 2015. Collection method: clinical testing. Allele origin: germline.
Comment: The VCL c.1975G>T variant is predicted to result in premature protein termination (p.Glu659*). To our knowledge, this variant has not been reported in the literature or in a large population database (gnomAD), indicating this variant is rare. Loss of function is not an established mechanism of VCL-related disorders. At this time, the clinical significance of this variant is uncertain due to the absence of conclusive functional and genetic evidence.